The following is an entry in ClinVar:

NM_001283009.2(RTEL1):c.3724T>A (p.Cys1242Ser)

Genes: RTEL1 (regulator of telomere elongation helicase 1; plus strand), RTEL1-TNFRSF6B (RTEL1-TNFRSF6B readthrough (NMD candidate); plus strand). Cytogenetic location: 20q13.33.
Variant type: single nucleotide variant.
Coding change: c.3724T>A on transcript NM_001283009.2 (MANE Select); coding-DNA position 3724, T replaced by A.
Protein change: p.Cys1242Ser; replaces cysteine 1242 with serine.
Molecular consequence: missense variant. On other transcripts: non-coding transcript variant (1), intron variant (3).
Genome position (GRCh38, 1-based): chr20:63,695,552, T>A. VCF-style: chr20-63695552-T-A. GRCh37 (hg19) VCF-style: chr20-62326905-T-A.
Other names: c.2983+72T>A (NM_001283010.1); c.3724+72T>A (NM_032957.5); c.3652+72T>A (NM_016434.4); short protein forms C1242S.
Identifiers: ClinVar variation 3759431 (VCV003759431.2).

ClinVar aggregate classification (germline): Uncertain significance (1 of 4 stars; one submission).

Conditions:
Dyskeratosis congenita, autosomal recessive 5 (DKCB5). Identifiers: MedGen C3554656, MONDO:0014076, OMIM 615190.
Pulmonary fibrosis and/or bone marrow failure, Telomere-related, 3. Also called: PULMONARY FIBROSIS AND/OR BONE MARROW FAILURE SYNDROME, TELOMERE-RELATED, 3. Identifiers: Orphanet 2032, MedGen C4225346, MONDO:0014613, OMIM 616373.

Submission:

Labcorp Genetics (formerly Invitae), Labcorp
Classification: Uncertain significance for Dyskeratosis congenita, autosomal recessive 5; Pulmonary fibrosis and/or bone marrow failure, Telomere-related, 3. Last evaluated: 2024-10-11. Review status: criteria provided, single submitter. Criteria: Invitae Variant Classification Sherloc (09022015). Collection method: clinical testing. Allele origin: germline.
Comment: This sequence change replaces cysteine, which is neutral and slightly polar, with serine, which is neutral and polar, at codon 1242 of the RTEL1 protein (p.Cys1242Ser). This variant is not present in population databases (gnomAD no frequency). This variant has not been reported in the literature in individuals affected with RTEL1-related conditions. An algorithm developed to predict the effect of missense changes on protein structure and function (PolyPhen-2) suggests that this variant is likely to be tolerated. In summary, the available evidence is currently insufficient to determine the role of this variant in disease. Therefore, it has been classified as a Variant of Uncertain Significance.